The following is an entry in ClinVar:

NM_001354604.2(MITF):c.815del (p.Pro272fs)

Gene: MITF (melanocyte inducing transcription factor; plus strand). Cytogenetic location: 3p13.
Variant type: Deletion.
Coding change: c.815del on transcript NM_001354604.2 (MANE Select); coding-DNA position 815, one base deleted (C; older notation c.815delC).
Protein change: p.Pro272fs; shifts the reading frame from proline 272.
Molecular consequence: frameshift variant.
Genome position (GRCh38, 1-based): chr3:69,949,103, C deleted; the last of 5 consecutive C bases (chr3:69,949,099-69,949,103); deleting any one gives the same sequence. VCF-style (leftmost placement, unchanged base first): chr3-69949098-GC-G. GRCh37 (hg19) VCF-style: chr3-69998249-GC-G.
Other names: c.494del (NM_000248.3); c.494delC, p.Pro165Hisfs (NM_000248.3); c.494del, p.Pro165fs (NM_000248.4, NM_198158.3); c.659del, p.Pro220fs (NM_001184967.2, NM_001354608.2); c.812del, p.Pro271fs (NM_001354605.2, NM_001354606.2, NM_006722.3); c.764del, p.Pro255fs (NM_001354607.2); c.815del, p.Pro272fs (NM_198159.3); c.767del, p.Pro256fs (NM_198177.3); and 1 more; short protein forms P220fs, P256fs, P272fs, P109fs, P165fs, P255fs, P271fs.
Identifiers: ClinVar variation 2203401 (VCV002203401.5), dbSNP rs2471621034, ClinGen allele CA658820720.

ClinVar aggregate classification (germline): Pathogenic. Review status: criteria provided, multiple submitters, no conflicts (2 of 4 stars). 2 submissions from 2 submitters: Pathogenic (2). Last evaluated 2023-08-08.

Conditions:
Waardenburg syndrome type 2A (WS2A). Also called: WAARDENBURG SYNDROME WITHOUT DYSTOPIA CANTHORUM. Identifiers: Orphanet 3440, MedGen C1860339, MONDO:0008671, OMIM 193510.
Tietz syndrome (TADS). Also called: TIETZ ALBINISM-DEAFNESS SYNDROME; HYPOPIGMENTATION/DEAFNESS OF TIETZ; ALBINISM-DEAFNESS OF TIETZ. Identifiers: Orphanet 42665, MedGen C0391816, MONDO:0007077, OMIM 103500.
Melanoma, cutaneous malignant, susceptibility to, 8. Also called: Cutaneous malignant melanoma 8; MELANOMA AND RENAL CELL CARCINOMA, SUSCEPTIBILITY TO. Identifiers: Orphanet 293822, MedGen C3152204, MONDO:0013759, OMIM 614456.

Submissions (2):

GeneDx
Classification: Pathogenic. Last evaluated: 2023-08-08. Review status: criteria provided, single submitter. Criteria: GeneDx Variant Classification Process June 2021. Collection method: clinical testing. Allele origin: germline. Affected: yes.
Comment: Frameshift variant predicted to result in protein truncation or nonsense mediated decay in a gene for which loss of function is a known mechanism of disease; Not observed at significant frequency in large population cohorts (gnomAD); This variant is associated with the following publications: (PMID: 27759048)

Labcorp Genetics (formerly Invitae), Labcorp
Classification: Pathogenic for Melanoma, cutaneous malignant, susceptibility to, 8; Waardenburg syndrome type 2A; Tietz syndrome. Last evaluated: 2022-06-12. Review status: criteria provided, single submitter. Criteria: Invitae Variant Classification Sherloc (09022015). Collection method: clinical testing. Allele origin: germline.
Comment: For these reasons, this variant has been classified as Pathogenic. This premature translational stop signal has been observed in individual(s) with clinical features of Waardenburg syndrome, type 2A (PMID: 27759048). This variant is not present in population databases (gnomAD no frequency). This sequence change creates a premature translational stop signal (p.Pro165Hisfs*17) in the MITF gene. It is expected to result in an absent or disrupted protein product. Loss-of-function variants in MITF are known to be pathogenic (PMID: 8659547, 20127975).

Literature cited by the submitters: PubMed 27759048 (cited by Labcorp Genetics (formerly Invitae), Labcorp); PubMed 8659547 (cited by Labcorp Genetics (formerly Invitae), Labcorp); PubMed 20127975 (cited by Labcorp Genetics (formerly Invitae), Labcorp).